The following is an entry in ClinVar:

ClinVar aggregate classification (germline): Uncertain significance. Review status: criteria provided, multiple submitters, no conflicts (2 of 4 stars). 4 submissions from 4 submitters: Uncertain significance (4). Last evaluated 2025-08-30.

Conditions:
Cardiovascular phenotype. Identifiers: MedGen CN230736.
Arrhythmogenic right ventricular cardiomyopathy (ARVD). Also called: Cardiomyopathy, ARVC; Arrhythmogenic right ventricular dysplasia; Arrhythmogenic cardiomyopathy; Arrhythmogenic Right Ventricular Cardiomyopathy (ARVC). Identifiers: Orphanet 247, MedGen C0349788, MeSH D019571, MONDO:0016587. Disease mechanism: loss of function. Inheritance: Various modes of inheritance.
Cardiomyopathy (CMYO). Also called: Cardiomyopathies. Identifiers: Orphanet 167848, MedGen C0878544, MONDO:0004994, HP:0001638. Inheritance: Various modes of inheritance.
Arrhythmogenic right ventricular dysplasia 9 (ARVD9). Also called: Arrhythmogenic Right Ventricular Dysplasia/Cardiomyopathy 9; ARRHYTHMOGENIC RIGHT VENTRICULAR DYSPLASIA, FAMILIAL, 9. Identifiers: MedGen C1836906, MONDO:0012180, OMIM 609040.

Allele frequency attached by ClinVar (database versions not stated): gnomAD exomes below 0.00001 and 0.00001; TOPMed below 0.00001; ExAC 0.00002.
gnomAD v4.1: 2 of 1,614,040 alleles (0.00012%); highest among the groups gnomAD compares: Non-Finnish European, 0.00017%; no homozygotes.

Submissions (4):

Ambry Genetics
Classification: Uncertain significance for Cardiovascular phenotype. Last evaluated: 2025-08-30. Review status: criteria provided, single submitter. Criteria: Ambry Variant Classification Scheme 2023. Collection method: clinical testing. Allele origin: germline.
Comment: The p.T298N variant (also known as c.893C>A), located in coding exon 3 of the PKP2 gene, results from a C to A substitution at nucleotide position 893. The threonine at codon 298 is replaced by asparagine, an amino acid with similar properties. This amino acid position is well conserved in available vertebrate species. In addition, this alteration is predicted to be tolerated by in silico analysis. Since supporting evidence is limited at this time, the clinical significance of this alteration remains unclear.

Labcorp Genetics (formerly Invitae), Labcorp
Classification: Uncertain significance for Arrhythmogenic right ventricular dysplasia 9. Last evaluated: 2025-07-20. Review status: criteria provided, single submitter. Criteria: Invitae Variant Classification Sherloc (09022015). Collection method: clinical testing. Allele origin: germline.
Comment: This sequence change replaces threonine, which is neutral and polar, with asparagine, which is neutral and polar, at codon 298 of the PKP2 protein (p.Thr298Asn). This variant is present in population databases (rs753271708, gnomAD 0.002%). This variant has not been reported in the literature in individuals affected with PKP2-related conditions. ClinVar contains an entry for this variant (Variation ID: 1171990). An algorithm developed to predict the effect of missense changes on protein structure and function (PolyPhen-2) suggests that this variant is likely to be tolerated. In summary, the available evidence is currently insufficient to determine the role of this variant in disease. Therefore, it has been classified as a Variant of Uncertain Significance.

Color Diagnostics, LLC DBA Color Health
Classification: Uncertain significance for Cardiomyopathy. Last evaluated: 2025-06-12. Review status: criteria provided, single submitter. Criteria: ACMG Guidelines, 2015. Collection method: clinical testing. Allele origin: germline.
Comment: This missense variant replaces threonine with asparagine at codon 298 of the PKP2 protein. Computational prediction suggests that this variant may not impact protein structure and function. To our knowledge, functional studies have not been reported for this variant. This variant has not been reported in individuals affected with PKP2-related disorders in the literature. This variant has been identified in 2/251060 chromosomes in the general population by the Genome Aggregation Database (gnomAD). The available evidence is insufficient to determine the role of this variant in disease conclusively. Therefore, this variant is classified as a Variant of Uncertain Significance.

All of Us Research Program, National Institutes of Health
Classification: Uncertain significance for Arrhythmogenic right ventricular cardiomyopathy. Last evaluated: 2023-05-31. Review status: criteria provided, single submitter. Criteria: ACMG Guidelines, 2015. Collection method: clinical testing. Allele origin: germline. Inheritance: Autosomal dominant inheritance. Observed: 1 variant allele, 1 heterozygote.
Comment: This missense variant replaces threonine with asparagine at codon 298 of the PKP2 protein. Computational prediction suggests that this variant may not impact protein structure and function (internally defined REVEL score threshold <= 0.5, PMID: 27666373). To our knowledge, functional studies have not been reported for this variant. This variant has been reported in an individual affected with unexplained sudden death (Wang et al. 2019, doi: 10.3760/cma.j.issn.2095-4255.2019.02.006). This variant has been identified in 2/251060 chromosomes in the general population by the Genome Aggregation Database (gnomAD). The available evidence is insufficient to determine the role of this variant in disease conclusively. Therefore, this variant is classified as a Variant of Uncertain Significance.

This study involves interpretation of variants in research participants for the purpose of population health screening. Participant phenotype was not available at the time of variant classification. Additional details can be found in publication PMID: 35346344, PMCID: PMC8962531

NM_001005242.3(PKP2):c.893C>A (p.Thr298Asn)

Gene: PKP2 (plakophilin 2; minus strand). Cytogenetic location: 12p11.21.
Variant type: single nucleotide variant.
Coding change: c.893C>A on transcript NM_001005242.3 (MANE Select); coding-DNA position 893, C replaced by A.
Protein change: p.Thr298Asn; replaces threonine 298 with asparagine.
Molecular consequence: missense variant.
Genome position (GRCh38, 1-based): chr12:32,877,987, G>T on the plus strand (C>A on the coding strand, the complement: PKP2 is on the minus strand). VCF-style: chr12-32877987-G-T. GRCh37 (hg19) VCF-style: chr12-33030921-G-T.
Other names: c.893C>A, p.Thr298Asn (NM_004572.4); short protein forms T298N.
Identifiers: ClinVar variation 1171990 (VCV001171990.9), dbSNP rs753271708, ClinGen allele CA039273.
Genomic context (GRCh38, chr12:32,877,987, plus strand): 5'-TGCGCTCTCCTCCCGCTGGAATCCACGGCGACACTGGGCCCAGCTTCCCTCAGCGTGCGG[G>T]TGCTGTGGAAGGAGCTCTGATGCCAGGAGGACCTGGAAGCCCTGTTCTGAGTGACGGGCT-3'
Protein context (NP_001005242.2, residues 288-308): SSWHQSSFHS[Thr298Asn]RTLREAGPSV